The following is an entry in ClinVar:

NM_000214.3(JAG1):c.2329C>A (p.Pro777Thr)

Gene: JAG1 (jagged canonical Notch ligand 1; minus strand). Cytogenetic location: 20p12.2.
Variant type: single nucleotide variant.
Coding change: c.2329C>A on transcript NM_000214.3 (MANE Select); coding-DNA position 2329, C replaced by A.
Protein change: p.Pro777Thr; replaces proline 777 with threonine.
Molecular consequence: missense variant.
Genome position (GRCh38, 1-based): chr20:10,644,878, G>T on the plus strand (C>A on the coding strand, the complement: JAG1 is on the minus strand). VCF-style: chr20-10644878-G-T. GRCh37 (hg19) VCF-style: chr20-10625526-G-T.
Other names: short protein forms P777T.
Identifiers: ClinVar variation 2093786 (VCV002093786.4), dbSNP rs202063628, ClinGen allele CA311345263.
Genomic context (GRCh38, chr20:10,644,878, plus strand): 5'-CTGCTCCGACAGCCCTGGGAGAGTTCAAGGGGGGAGGACACTCACTCTGAGCACAGATGG[G>T]CCCCTCCCAGCCTTCCTTGCAGACGCACGTAAAGGACTCGCCGTTGACCACACATGTGCC-3'
Protein context (NP_000205.1, residues 767-787): TCVCKEGWEG[Pro777Thr]ICAQNTNDCS

ClinVar aggregate classification (germline): Uncertain significance (1 of 4 stars; one submission).

Conditions:
Alagille syndrome due to a JAG1 point mutation. Also called: JAG1-Related Alagille Syndrome; Alagille Syndrome 1; HEPATIC DUCTULAR HYPOPLASIA, SYNDROMATIC. Identifiers: Orphanet 261619, Orphanet 52, MedGen C1956125, MONDO:0016862, OMIM 118450.

gnomAD v4.1: 2 of 1,613,026 alleles (0.00012%); highest among the groups gnomAD compares: Non-Finnish European, 0.00017%; no homozygotes.

Submission:

Labcorp Genetics (formerly Invitae), Labcorp
Classification: Uncertain significance for Alagille syndrome due to a JAG1 point mutation. Last evaluated: 2022-05-26. Review status: criteria provided, single submitter. Criteria: Invitae Variant Classification Sherloc (09022015). Collection method: clinical testing. Allele origin: germline.
Comment: This sequence change replaces proline, which is neutral and non-polar, with threonine, which is neutral and polar, at codon 777 of the JAG1 protein (p.Pro777Thr). This variant is not present in population databases (gnomAD no frequency). In summary, the available evidence is currently insufficient to determine the role of this variant in disease. Therefore, it has been classified as a Variant of Uncertain Significance. Advanced modeling of protein sequence and biophysical properties (such as structural, functional, and spatial information, amino acid conservation, physicochemical variation, residue mobility, and thermodynamic stability) performed at Invitae indicates that this missense variant is not expected to disrupt JAG1 protein function. This variant has not been reported in the literature in individuals affected with JAG1-related conditions.